The following is an entry in ClinVar:

ClinVar aggregate classification (germline): Uncertain significance (1 of 4 stars; one submission).

Conditions:
Dyskeratosis congenita, autosomal dominant 6 (DKCA6). Identifiers: Orphanet 3322, MedGen C4225284, MONDO:0014690, OMIM 616553.

Submission:

Labcorp Genetics (formerly Invitae), Labcorp
Classification: Uncertain significance for Dyskeratosis congenita, autosomal dominant 6. Last evaluated: 2021-08-11. Review status: criteria provided, single submitter. Criteria: Invitae Variant Classification Sherloc (09022015). Collection method: clinical testing. Allele origin: germline.
Comment: In summary, the available evidence is currently insufficient to determine the role of this variant in disease. Therefore, it has been classified as a Variant of Uncertain Significance. Algorithms developed to predict the effect of missense changes on protein structure and function are either unavailable or do not agree on the potential impact of this missense change (SIFT: "Tolerated"; PolyPhen-2: "Possibly Damaging"; Align-GVGD: "Class C0"). This variant has not been reported in the literature in individuals affected with ACD-related conditions. This variant is not present in population databases (ExAC no frequency). This sequence change replaces arginine with threonine at codon 331 of the ACD protein (p.Arg331Thr). The arginine residue is weakly conserved and there is a moderate physicochemical difference between arginine and threonine.

NM_001082486.2(ACD):c.734G>C (p.Arg245Thr)

Gene: ACD (ACD shelterin complex subunit and telomerase recruitment factor; minus strand). Cytogenetic location: 16q22.1.
Variant type: single nucleotide variant.
Coding change: c.734G>C on transcript NM_001082486.2 (MANE Select); coding-DNA position 734, G replaced by C.
Protein change: p.Arg245Thr; replaces arginine 245 with threonine.
Molecular consequence: missense variant.
Genome position (GRCh38, 1-based): chr16:67,658,728, C>G on the plus strand (G>C on the coding strand, the complement: ACD is on the minus strand). VCF-style: chr16-67658728-C-G. GRCh37 (hg19) VCF-style: chr16-67692631-C-G.
Other names: c.725G>C, p.Arg242Thr (NM_022914.3); short protein forms R242T, R245T.
Identifiers: ClinVar variation 1368680 (VCV001368680.8), dbSNP rs1048865744, ClinGen allele CA396353441.